The following is an entry in ClinVar:

NM_001291415.2(KDM6A):c.225+5G>A

Gene: KDM6A (lysine demethylase 6A; plus strand). Cytogenetic location: Xp11.3.
Variant type: single nucleotide variant.
Coding change: c.225+5G>A on transcript NM_001291415.2 (MANE Select); 5 bases into the intron after coding-DNA position 225, G replaced by A.
Molecular consequence: intron variant.
Genome position (GRCh38, 1-based): chrX:44,873,992, G>A. VCF-style: chrX-44873992-G-A. GRCh37 (hg19) VCF-style: chrX-44733238-G-A.
Other names: c.225+5G>A (NM_001419809.1, NM_001419810.1, NM_001419813.1 and 9 more transcripts); c.-408+5G>A (NM_001291421.2).
Identifiers: ClinVar variation 3776389 (VCV003776389.1).

ClinVar aggregate classification (germline): Uncertain significance (1 of 4 stars; one submission).

Submission:

GeneDx
Classification: Uncertain significance. Last evaluated: 2024-10-06. Review status: criteria provided, single submitter. Criteria: GeneDx Variant Classification Process June 2021. Collection method: clinical testing. Allele origin: germline. Affected: yes.
Comment: Not observed at significant frequency in large population cohorts (gnomAD); In silico analysis indicates that this variant does not alter splicing; Has not been previously published as pathogenic or benign to our knowledge